The following is an entry in ClinVar:

NM_004004.6(GJB2):c.2T>G (p.Met1Arg)

Gene: GJB2 (gap junction protein beta 2; minus strand). Cytogenetic location: 13q12.11.
Variant type: single nucleotide variant.
Coding change: c.2T>G on transcript NM_004004.6 (MANE Select); coding-DNA position 2, T replaced by G.
Protein change: p.Met1Arg; changes the start codon (methionine 1).
Molecular consequence: missense variant, initiator codon variant.
Genome position (GRCh38, 1-based): chr13:20,189,580, A>C on the plus strand (T>G on the coding strand, the complement: GJB2 is on the minus strand). VCF-style: chr13-20189580-A-C. GRCh37 (hg19) VCF-style: chr13-20763719-A-C.
Other names: NM_004004.6(GJB2):c.2T>G; p.Met1Arg; short protein forms M1R.
Identifiers: ClinVar variation 551915 (VCV000551915.8), dbSNP rs371086981, ClinGen allele CA387462304.

ClinVar aggregate classification (germline): Pathogenic. Review status: reviewed by expert panel (3 of 4 stars). 4 submissions from 4 submitters: Pathogenic (1). 3 of the submissions do not count toward it. Last evaluated 2024-03-28.

Conditions:
Autosomal recessive nonsyndromic hearing loss 1A (DFNB1A). Also called: GJB6-Related DFNB 1 Nonsyndromic Hearing Loss and Deafness; Deafness, autosomal recessive 1A; Deafness nonsyndromic, Connexin 26 linked; Connexin 26 deafness; Nonsyndromic Hearing Loss and Deafness, DFNB1; GJB2-Related Autosomal Recessive Nonsyndromic Hearing Loss. Identifiers: Orphanet 90636, MedGen C2673759, MONDO:0009076, OMIM 220290.
Mutilating keratoderma (VOWNKL). Also called: Keratoderma hereditarium mutilans. Identifiers: Orphanet 494, MedGen C0265964, MONDO:0007422, OMIM 124500.
Ichthyosis, hystrix-like, with hearing loss. Also called: Hystrix-like ichthyosis with deafness. Identifiers: Orphanet 477, MedGen C1865234, MONDO:0011245.
Palmoplantar keratoderma-deafness syndrome. Also called: Keratoderma palmoplantar, with deafness; Palmoplantar keratoderma and sensorineural deafness; Hereditary palmoplantar keratoderma with deafness (subtype); Focal palmoplantar keratoderma with sensorineural deafness (subtype); Diffuse palmoplantar keratoderma with deafness (subtype). Identifiers: Orphanet 2202, MedGen C1835672, MONDO:0007852, OMIM 148350.
Knuckle pads, deafness AND leukonychia syndrome. Also called: Bart-Pumphrey syndrome. Identifiers: Orphanet 2698, MedGen C0266004, MONDO:0007866, OMIM 149200.
Autosomal dominant keratitis-ichthyosis-hearing loss syndrome. Also called: HID SYNDROME; Senter syndrome; KID SYNDROME, AUTOSOMAL DOMINANT. Identifiers: Orphanet 477, MedGen C0265336, MONDO:0007850, OMIM 148210.
Autosomal dominant nonsyndromic hearing loss 3A. Identifiers: Orphanet 90635, MedGen C2675750, MONDO:0011103, OMIM 601544.
Nonsyndromic genetic hearing loss. Also called: Nonsyndromic genetic deafness; Nonsyndromic hearing loss and deafness; Non-syndromic genetic deafness. Identifiers: Orphanet 87884, MedGen C5680182, MONDO:0019497.

Submissions (4):

ClinGen Hearing Loss Variant Curation Expert Panel
Classification: Pathogenic for Nonsyndromic genetic hearing loss. Last evaluated: 2024-03-28. Review status: reviewed by expert panel. Criteria: Clingen Hl Acmg Specifications Cdh23 Coch Gjb2 Kcnq4 Myo6 Myo7a Slc26a4 Tecta Ush2a V2. Collection method: curation. Allele origin: germline. Inheritance: Autosomal recessive inheritance.
Comment: The c.2T>G (p.Met1Arg) variant in GJB2 may cause a truncated or absent protein by altering the start codon of the coding sequence and is predicted to lead to the omission of a critical region of the protein. There have been multiple pathogenic variants observed in the region between this site and the next expected start codon (PVS1; ClinVar Variation IDs: 21387, 188758). There are also multiple pathogenic/likely pathogenic start-loss variants at this position which may indicate that this residue is critical to the function of the protein (ClinVar Variation IDs: 44729, 550716, 2070085, 371781). This variant is absent from gnomAD v2.1.1 (PM2_Supporting). The variant has been reported in an individual with prelingual and profound hearing loss in a compound heterozygous manner with the pathogenic variant c.35delG, p.G12Vfs (1 PM3 point, Clinvar ID: 17004) and segregated in two affected siblings (PP1_Moderate, PMID: 36472766). In summary, this variant meets criteria to be classified as pathogenic for autosomal recessive hearing loss based on the ACMG/AMP criteria applied as specified by the Hearing Loss Expert Panel: PVS1, PM2_Supporting, PM3, PP1_Moderate (VCEP specifications version 2; 10.24.2023).

Fulgent Genetics
Classification: Pathogenic for Mutilating keratoderma; Autosomal dominant keratitis-ichthyosis-hearing loss syndrome; Palmoplantar keratoderma-deafness syndrome; Knuckle pads, deafness AND leukonychia syndrome; Autosomal recessive nonsyndromic hearing loss 1A; Autosomal dominant nonsyndromic hearing loss 3A. Last evaluated: 2024-06-01. Review status: criteria provided, single submitter. Criteria: ACMG Guidelines, 2015. Collection method: clinical testing. Allele origin: germline. Not counted in ClinVar's aggregate classification.

Labcorp Genetics (formerly Invitae), Labcorp
Classification: Pathogenic. Last evaluated: 2023-01-31. Review status: criteria provided, single submitter. Criteria: Invitae Variant Classification Sherloc (09022015). Collection method: clinical testing. Allele origin: germline. Not counted in ClinVar's aggregate classification.
Comment: Disruption of the initiator codon has been observed in individuals with autosomal recessive non-syndromic deafness (PMID: 9482292, 10218527, 18941476, 20146813, 29605365). ClinVar contains an entry for this variant (Variation ID: 551915). Studies have shown that disruption of the initiator codon alters GJB2 gene expression (PMID: 12189493). For these reasons, this variant has been classified as Pathogenic. This variant is not present in population databases (gnomAD no frequency). This sequence change affects the initiator methionine of the GJB2 mRNA. The next in-frame methionine is located at codon 34.

Counsyl
Classification: Likely pathogenic for Autosomal recessive nonsyndromic hearing loss 1A. Last evaluated: 2017-05-12. Review status: no assertion criteria provided. Collection method: clinical testing. Allele origin: unknown. Not counted in ClinVar's aggregate classification.

Literature cited by the submitters: PubMed 9482292 (cited by Labcorp Genetics (formerly Invitae), Labcorp); PubMed 10218527 (cited by Labcorp Genetics (formerly Invitae), Labcorp); PubMed 18941476 (cited by Labcorp Genetics (formerly Invitae), Labcorp); PubMed 20146813 (cited by Labcorp Genetics (formerly Invitae), Labcorp); PubMed 29605365 (cited by Labcorp Genetics (formerly Invitae), Labcorp); PubMed 12189493 (cited by Labcorp Genetics (formerly Invitae), Labcorp).